The following is an entry in ClinVar:

NM_032119.4(ADGRV1):c.17896G>T (p.Ala5966Ser)

Gene: ADGRV1 (adhesion G protein-coupled receptor V1; plus strand). Cytogenetic location: 5q14.3.
Variant type: single nucleotide variant.
Coding change: c.17896G>T on transcript NM_032119.4 (MANE Select); coding-DNA position 17896, G replaced by T.
Protein change: p.Ala5966Ser; replaces alanine 5966 with serine.
Molecular consequence: missense variant. On other transcripts: non-coding transcript variant (1).
Genome position (GRCh38, 1-based): chr5:90,965,454, G>T. VCF-style: chr5-90965454-G-T. GRCh37 (hg19) VCF-style: chr5-90261271-G-T.
Other names: short protein forms A5966S.
Identifiers: ClinVar variation 3901774 (VCV003901774.1).

ClinVar aggregate classification (germline): Uncertain significance (1 of 4 stars; one submission).

gnomAD v4.1: 3 of 1,613,630 alleles (0.00019%); highest among the groups gnomAD compares: Non-Finnish European, 0.00017%; no homozygotes.

Submission:

GeneDx
Classification: Uncertain significance. Last evaluated: 2024-12-09. Review status: criteria provided, single submitter. Criteria: GeneDx Variant Classification Process June 2021. Collection method: clinical testing. Allele origin: germline. Affected: yes.
Comment: Not observed at significant frequency in large population cohorts (gnomAD); In silico analysis indicates that this missense variant does not alter protein structure/function; Has not been previously published as pathogenic or benign to our knowledge